The following is an entry in ClinVar:

ClinVar aggregate classification (germline): Uncertain significance (1 of 4 stars; one submission).

Conditions:
Primary ciliary dyskinesia. Also called: Ciliary dyskinesia. Identifiers: Orphanet 244, MedGen C0008780, MONDO:0016575, HP:0012265.

Allele frequency attached by ClinVar (database versions not stated): gnomAD exomes below 0.00001 and 0.00001; ExAC 0.00001; gnomAD 0.00001.
gnomAD v4.1: 16 of 1,613,752 alleles (0.00099%); highest among the groups gnomAD compares: Non-Finnish European, 0.001%; no homozygotes.

Submission:

Labcorp Genetics (formerly Invitae), Labcorp
Classification: Uncertain significance for Primary ciliary dyskinesia. Last evaluated: 2017-10-30. Review status: criteria provided, single submitter. Criteria: Invitae Variant Classification Sherloc (09022015). Collection method: clinical testing. Allele origin: germline.
Comment: This sequence change affects codon 2932 of the DNAH11 mRNA. It is a 'silent' change, meaning that it does not change the encoded amino acid sequence of the DNAH11 protein. This variant is present in population databases (rs771796985, ExAC 0.001%). This variant has not been reported in the literature in individuals with DNAH11-related disease. Algorithms developed to predict the effect of sequence changes on RNA splicing suggest that this variant may disrupt the consensus splice site, but this prediction has not been confirmed by published transcriptional studies. In summary, the available evidence is currently insufficient to determine the role of this variant in disease. Therefore, it has been classified as a Variant of Uncertain Significance.

NM_001277115.2(DNAH11):c.8796A>C (p.Ser2932=)

Gene: DNAH11 (dynein axonemal heavy chain 11; plus strand). Cytogenetic location: 7p15.3.
Variant type: single nucleotide variant.
Coding change: c.8796A>C on transcript NM_001277115.2 (MANE Select); coding-DNA position 8796, A replaced by C.
Protein change: p.Ser2932=; no amino-acid change (serine 2932 retained).
Molecular consequence: synonymous variant.
Genome position (GRCh38, 1-based): chr7:21,749,800, A>C. VCF-style: chr7-21749800-A-C. GRCh37 (hg19) VCF-style: chr7-21789418-A-C.
Identifiers: ClinVar variation 525250 (VCV000525250.4), dbSNP rs771796985, ClinGen allele CA4181720.